The following is an entry in ClinVar:

NM_006363.6(SEC23B):c.1483C>T (p.Arg495Cys)

Gene: SEC23B (SEC23 homolog B, COPII component; plus strand). Cytogenetic location: 20p11.23.
Variant type: single nucleotide variant.
Coding change: c.1483C>T on transcript NM_006363.6 (MANE Select); coding-DNA position 1483, C replaced by T.
Protein change: p.Arg495Cys; replaces arginine 495 with cysteine.
Molecular consequence: missense variant.
Genome position (GRCh38, 1-based): chr20:18,542,374, C>T. VCF-style: chr20-18542374-C-T. GRCh37 (hg19) VCF-style: chr20-18523018-C-T.
Other names: c.1483C>T, p.Arg495Cys (NM_032985.6, NM_032986.5, NM_001172745.3); c.1429C>T, p.Arg477Cys (NM_001172746.3); short protein forms R495C, R477C.
Identifiers: ClinVar variation 337796 (VCV000337796.8), dbSNP rs768018657, ClinGen allele CA9778368.

ClinVar aggregate classification (germline): Uncertain significance. Review status: criteria provided, multiple submitters, no conflicts (2 of 4 stars). 3 submissions from 3 submitters: Uncertain significance (3). Last evaluated 2025-11-24.

Conditions:
Congenital dyserythropoietic anemia, type II (CDAN2). Also called: DYSERYTHROPOIETIC ANEMIA, HEMPAS TYPE. Identifiers: Orphanet 98873, MedGen C1306589, MONDO:0009134, OMIM 224100.
Cowden syndrome 7 (CWS7). Identifiers: Orphanet 201, MedGen C4225179, MONDO:0014802, OMIM 616858.
Inborn genetic diseases. Identifiers: MedGen C0950123, MeSH D030342.

Allele frequency attached by ClinVar (database versions not stated): gnomAD 0.00001; gnomAD exomes 0.00001 and 0.00002; TOPMed 0.00002; ExAC 0.00004.
gnomAD v4.1: 24 of 1,614,104 alleles (0.0015%); highest among the groups gnomAD compares: African/African-American, 0.0027%; no homozygotes.

Submissions (3):

Labcorp Genetics (formerly Invitae), Labcorp
Classification: Uncertain significance for Congenital dyserythropoietic anemia, type II; Cowden syndrome 7. Last evaluated: 2025-11-24. Review status: criteria provided, single submitter. Criteria: Invitae Variant Classification Sherloc (09022015). Collection method: clinical testing. Allele origin: germline.
Comment: This sequence change replaces arginine, which is basic and polar, with cysteine, which is neutral and slightly polar, at codon 495 of the SEC23B protein (p.Arg495Cys). This variant is present in population databases (rs768018657, gnomAD 0.007%). This variant has not been reported in the literature in individuals affected with SEC23B-related conditions. ClinVar contains an entry for this variant (Variation ID: 337796). Invitae Evidence Modeling of protein sequence and biophysical properties (such as structural, functional, and spatial information, amino acid conservation, physicochemical variation, residue mobility, and thermodynamic stability) indicates that this missense variant is expected to disrupt SEC23B protein function with a positive predictive value of 95%. In summary, the available evidence is currently insufficient to determine the role of this variant in disease. Therefore, it has been classified as a Variant of Uncertain Significance.

Ambry Genetics
Classification: Uncertain significance for Inborn genetic diseases. Last evaluated: 2023-09-20. Review status: criteria provided, single submitter. Criteria: Ambry Variant Classification Scheme 2023. Collection method: clinical testing. Allele origin: germline.

Illumina Laboratory Services, Illumina
Classification: Uncertain significance for Congenital dyserythropoietic anemia, type II. Last evaluated: 2018-01-13. Review status: criteria provided, single submitter. Criteria: ICSL Variant Classification Criteria 13 December 2019. Collection method: clinical testing. Allele origin: germline.